The following is an entry in ClinVar:

NM_053025.4(MYLK):c.149C>T (p.Ala50Val)

Gene: MYLK (myosin light chain kinase; minus strand). Cytogenetic location: 3q21.1.
Variant type: single nucleotide variant.
Coding change: c.149C>T on transcript NM_053025.4 (MANE Select); coding-DNA position 149, C replaced by T.
Protein change: p.Ala50Val; replaces alanine 50 with valine.
Molecular consequence: missense variant. On other transcripts: 5 prime UTR variant (1).
Genome position (GRCh38, 1-based): chr3:123,793,693, G>A on the plus strand (C>T on the coding strand, the complement: MYLK is on the minus strand). VCF-style: chr3-123793693-G-A. GRCh37 (hg19) VCF-style: chr3-123512540-G-A.
Other names: c.-172C>T (NM_001321309.2); c.149C>T, p.Ala50Val (NM_053026.4, NM_053027.4, NM_053028.4); short protein forms A50V.
Identifiers: ClinVar variation 426226 (VCV000426226.44), dbSNP rs369576521, ClinGen allele CA067424.

ClinVar aggregate classification (germline): Uncertain significance. Review status: criteria provided, multiple submitters, no conflicts (2 of 4 stars). 6 submissions from 6 submitters: Uncertain significance (6). Last evaluated 2024-10-13.

Conditions:
Familial thoracic aortic aneurysm and aortic dissection (TAAD). Also called: Thoracic aortic aneurysms and dissections. Identifiers: Orphanet 91387, MedGen C4707243, MONDO:0019625.
Aortic aneurysm, familial thoracic 7 (AAT7). Also called: AORTIC DISSECTION, FAMILIAL, WITH OR WITHOUT AORTIC ANEURYSM. Identifiers: MedGen C3151077, MONDO:0013418, OMIM 613780.

Allele frequency attached by ClinVar (database versions not stated): gnomAD 0.00005 and 0.00006; TOPMed 0.00005; ExAC 0.00006; gnomAD exomes 0.00007 and 0.00008; ESP Exome Variant Server 0.00008.

Submissions (6):

Labcorp Genetics (formerly Invitae), Labcorp
Classification: Uncertain significance for Aortic aneurysm, familial thoracic 7. Last evaluated: 2024-10-13. Review status: criteria provided, single submitter. Criteria: Invitae Variant Classification Sherloc (09022015). Collection method: clinical testing. Allele origin: germline.
Comment: This sequence change replaces alanine, which is neutral and non-polar, with valine, which is neutral and non-polar, at codon 50 of the MYLK protein (p.Ala50Val). This variant is present in population databases (rs369576521, gnomAD 0.05%). This variant has not been reported in the literature in individuals affected with MYLK-related conditions. ClinVar contains an entry for this variant (Variation ID: 426226). Invitae Evidence Modeling of protein sequence and biophysical properties (such as structural, functional, and spatial information, amino acid conservation, physicochemical variation, residue mobility, and thermodynamic stability) indicates that this missense variant is not expected to disrupt MYLK protein function with a negative predictive value of 95%. In summary, the available evidence is currently insufficient to determine the role of this variant in disease. Therefore, it has been classified as a Variant of Uncertain Significance.

GeneDx
Classification: Uncertain significance. Last evaluated: 2024-07-17. Review status: criteria provided, single submitter. Criteria: GeneDx Variant Classification Process June 2021. Collection method: clinical testing. Allele origin: germline. Affected: yes.
Comment: Has not been previously published as pathogenic or benign to our knowledge; In silico analysis indicates that this missense variant does not alter protein structure/function

Ambry Genetics
Classification: Uncertain significance for Familial thoracic aortic aneurysm and aortic dissection. Last evaluated: 2024-04-24. Review status: criteria provided, single submitter. Criteria: Ambry Variant Classification Scheme 2023. Collection method: clinical testing. Allele origin: germline.
Comment: The p.A50V variant (also known as c.149C>T), located in coding exon 1 of the MYLK gene, results from a C to T substitution at nucleotide position 149. The alanine at codon 50 is replaced by valine, an amino acid with similar properties. This amino acid position is conserved. In addition, this alteration is predicted to be tolerated by in silico analysis. Since supporting evidence is limited at this time, the clinical significance of this alteration remains unclear.

CHEO Genetics Diagnostic Laboratory, Children's Hospital of Eastern Ontario
Classification: Uncertain significance for Familial thoracic aortic aneurysm and aortic dissection. Last evaluated: 2022-04-08. Review status: criteria provided, single submitter. Criteria: ACMG Guidelines, 2015. Collection method: clinical testing. Allele origin: germline. Study: Canadian Open Genetics Repository.

CeGaT Center for Human Genetics Tuebingen
Classification: Uncertain significance. Last evaluated: 2022-03-01. Review status: criteria provided, single submitter. Criteria: CeGaT Center For Human Genetics Tuebingen Variant Classification Criteria Version 2. Collection method: clinical testing. Allele origin: germline. Affected: yes. Observed: 1 variant allele.

Centre of Medical Genetics, University Hospital Muenster
Classification: Uncertain significance for Aortic aneurysm, familial thoracic 7. Last evaluated: 2022-01-20. Review status: criteria provided, single submitter. Criteria: ACMG Guidelines, 2015. Collection method: clinical testing. Allele origin: germline. Affected: yes. Observed: 1 variant allele, 1 heterozygote.
Comment: ACMG categories: PM1,BP1